The following is an entry in ClinVar:

ClinVar aggregate classification (germline): Conflicting classifications of pathogenicity. Review status: criteria provided, conflicting classifications (1 of 4 stars). 3 submissions from 3 submitters: Uncertain significance (1); Likely benign (2). Last evaluated 2017-06-20.

Allele frequency attached by ClinVar (database versions not stated): gnomAD exomes below 0.00001; gnomAD 0.00001 and 0.00002; TOPMed 0.00192; 1000 Genomes Project 0.00359.

Submissions (3):

GeneDx
Classification: Likely benign. Last evaluated: 2017-06-20. Review status: criteria provided, single submitter. Criteria: GeneDx Variant Classification (06012015). Collection method: clinical testing. Allele origin: germline. Affected: yes.
Comment: This variant is considered likely benign or benign based on one or more of the following criteria: it is a conservative change, it occurs at a poorly conserved position in the protein, it is predicted to be benign by multiple in silico algorithms, and/or has population frequency not consistent with disease.

Eurofins Ntd Llc (ga)
Classification: Uncertain significance. Last evaluated: 2012-08-28. Review status: criteria provided, single submitter. Criteria: EGL Classification Definitions 2015. Collection method: clinical testing. Allele origin: germline. Observed: 1 variant allele, 1 heterozygote.

PreventionGenetics, part of Exact Sciences
Classification: Likely benign. Review status: criteria provided, single submitter. Criteria: ACMG Guidelines, 2015. Collection method: clinical testing. Allele origin: germline.

NM_001848.3(COL6A1):c.859-18T>A

Gene: COL6A1 (collagen type VI alpha 1 chain; plus strand). Cytogenetic location: 21q22.3.
Variant type: single nucleotide variant.
Coding change: c.859-18T>A on transcript NM_001848.3 (MANE Select); 18 bases into the intron before coding-DNA position 859, T replaced by A.
Molecular consequence: intron variant.
Genome position (GRCh38, 1-based): chr21:45,989,590, T>A. VCF-style: chr21-45989590-T-A. GRCh37 (hg19) VCF-style: chr21-47409504-T-A.
Identifiers: ClinVar variation 93890 (VCV000093890.6), dbSNP rs398123641, ClinGen allele CA221798.